The following is an entry in ClinVar:

ClinVar aggregate classification (germline): Uncertain significance. Review status: criteria provided, multiple submitters, no conflicts (2 of 4 stars). 2 submissions from 2 submitters: Uncertain significance (2). Last evaluated 2025-05-21.

Conditions:
Spastic paraplegia. Identifiers: MedGen C0037772, HP:0001258.

gnomAD v4.1: 23 of 1,614,096 alleles (0.0014%); highest among the groups gnomAD compares: Non-Finnish European, 0.0019%; no homozygotes.

Submissions (2):

Mayo Clinic Laboratories, Mayo Clinic
Classification: Uncertain significance. Last evaluated: 2025-05-21. Review status: criteria provided, single submitter. Criteria: ACMG Guidelines, 2015. Collection method: clinical testing. Allele origin: germline. Observed: 1 variant allele.
Comment: PM2_supporting

Labcorp Genetics (formerly Invitae), Labcorp
Classification: Uncertain significance for Spastic paraplegia. Last evaluated: 2022-05-24. Review status: criteria provided, single submitter. Criteria: Invitae Variant Classification Sherloc (09022015). Collection method: clinical testing. Allele origin: germline.
Comment: This sequence change replaces methionine, which is neutral and non-polar, with leucine, which is neutral and non-polar, at codon 2261 of the ZFYVE26 protein (p.Met2261Leu). This variant is present in population databases (rs746645190, gnomAD 0.002%). This variant has not been reported in the literature in individuals affected with ZFYVE26-related conditions. ClinVar contains an entry for this variant (Variation ID: 836594). Algorithms developed to predict the effect of missense changes on protein structure and function are either unavailable or do not agree on the potential impact of this missense change (SIFT: "Tolerated"; PolyPhen-2: "Probably Damaging"; Align-GVGD: "Class C0"). In summary, the available evidence is currently insufficient to determine the role of this variant in disease. Therefore, it has been classified as a Variant of Uncertain Significance.

NM_015346.4(ZFYVE26):c.6781A>T (p.Met2261Leu)

Gene: ZFYVE26 (zinc finger FYVE-type containing 26; minus strand). Cytogenetic location: 14q24.1.
Variant type: single nucleotide variant.
Coding change: c.6781A>T on transcript NM_015346.4 (MANE Select); coding-DNA position 6781, A replaced by T.
Protein change: p.Met2261Leu; replaces methionine 2261 with leucine.
Molecular consequence: missense variant.
Genome position (GRCh38, 1-based): chr14:67,755,953, T>A on the plus strand (A>T on the coding strand, the complement: ZFYVE26 is on the minus strand). VCF-style: chr14-67755953-T-A. GRCh37 (hg19) VCF-style: chr14-68222670-T-A.
Other names: p.Met2261Leu; short protein forms M2261L.
Identifiers: ClinVar variation 836594 (VCV000836594.5), dbSNP rs746645190, ClinGen allele CA7239152.